The following is an entry in ClinVar:

NM_005982.4(SIX1):c.583TCC[2] (p.Ser197del)

Gene: SIX1 (SIX homeobox 1; minus strand). Cytogenetic location: 14q23.1.
Variant type: Microsatellite.
Coding change: c.583TCC[2] on transcript NM_005982.4 (MANE Select); two copies in a row of the 3-base unit TCC starting at c.583; the reference has three copies in a row; one copy, 3 bases deleted.
Protein change: p.Ser197del; deletes serine 197.
Molecular consequence: inframe deletion.
Genome position (GRCh38, 1-based): chr14:60,646,547-60,646,549, GGA deleted on the plus strand (TCC on the coding strand, the reverse complement: SIX1 is on the minus strand); deleting any 3 consecutive bases within chr14:60,646,547-60,646,556 gives the same sequence; the position shown is the placement nearest the transcript's 3' end. VCF-style (leftmost placement, unchanged base first): chr14-60646546-TGGA-T. GRCh37 (hg19) VCF-style: chr14-61113264-TGGA-T.
Other names: c.*1_*3CTC[2] (NM_001425142.1); short protein forms S197del.
Identifiers: ClinVar variation 2937741 (VCV002937741.3), dbSNP rs751941823, ClinGen allele CA7212755.

ClinVar aggregate classification (germline): Uncertain significance (1 of 4 stars; one submission).

Conditions:
Branchiootic syndrome 3 (BOS3). Also called: BO SYNDROME 3. Identifiers: MedGen C1842124, MONDO:0012025, OMIM 608389.
Autosomal dominant nonsyndromic hearing loss 23. Identifiers: Orphanet 90635, MedGen C1854594, MONDO:0011519, OMIM 605192.

Submission:

Labcorp Genetics (formerly Invitae), Labcorp
Classification: Uncertain significance for Autosomal dominant nonsyndromic hearing loss 23; Branchiootic syndrome 3. Last evaluated: 2023-02-22. Review status: criteria provided, single submitter. Criteria: Invitae Variant Classification Sherloc (09022015). Collection method: clinical testing. Allele origin: germline.
Comment: In summary, the available evidence is currently insufficient to determine the role of this variant in disease. Therefore, it has been classified as a Variant of Uncertain Significance. Experimental studies and prediction algorithms are not available or were not evaluated, and the functional significance of this variant is currently unknown. This variant has not been reported in the literature in individuals affected with SIX1-related conditions. This variant is present in population databases (rs751941823, gnomAD 0.003%). This variant, c.589_591del, results in the deletion of 1 amino acid(s) of the SIX1 protein (p.Ser197del), but otherwise preserves the integrity of the reading frame.